The following is an entry in ClinVar:

NM_000426.4(LAMA2):c.8501C>G (p.Thr2834Ser)

Gene: LAMA2 (laminin subunit alpha 2; plus strand). Cytogenetic location: 6q22.33.
Variant type: single nucleotide variant.
Coding change: c.8501C>G on transcript NM_000426.4 (MANE Select); coding-DNA position 8501, C replaced by G.
Protein change: p.Thr2834Ser; replaces threonine 2834 with serine.
Molecular consequence: missense variant.
Genome position (GRCh38, 1-based): chr6:129,503,234, C>G. VCF-style: chr6-129503234-C-G. GRCh37 (hg19) VCF-style: chr6-129824379-C-G.
Other names: c.8489C>G, p.Thr2830Ser (NM_001079823.2); short protein forms T2830S, T2834S.
Identifiers: ClinVar variation 1429473 (VCV001429473.5), dbSNP rs1467928017, ClinGen allele CA365634343.
Genomic context (GRCh38, chr6:129,503,234, plus strand): 5'-CAACAGTTCAGCTGAGAAATGGATTGCCCTACTTCAGCTATGACTTGGGGAGTGGGGACA[C>G]CCACACCATGATCCCCACCAAAATCAATGATGGCCAGTGGCACAAGGTAATAGTCCCCTG-3'
Protein context (NP_000417.3, residues 2824-2844): YFSYDLGSGD[Thr2834Ser]HTMIPTKIND

ClinVar aggregate classification (germline): Uncertain significance (1 of 4 stars; one submission).

Conditions:
LAMA2-related muscular dystrophy (LAMA2-RD). Also called: Laminin alpha 2-related dystrophy. Identifiers: MedGen C5679788, MONDO:0100228.

Allele frequency attached by ClinVar (database versions not stated): TOPMed below 0.00001; gnomAD exomes 0.00001.
gnomAD v4.1: 3 of 1,614,050 alleles (0.00019%); highest among the groups gnomAD compares: Admixed American, 0.005%; no homozygotes.

Submission:

Labcorp Genetics (formerly Invitae), Labcorp
Classification: Uncertain significance for LAMA2-related muscular dystrophy. Last evaluated: 2022-02-08. Review status: criteria provided, single submitter. Criteria: Invitae Variant Classification Sherloc (09022015). Collection method: clinical testing. Allele origin: germline.
Comment: This sequence change replaces threonine, which is neutral and polar, with serine, which is neutral and polar, at codon 2834 of the LAMA2 protein (p.Thr2834Ser). This variant is present in population databases (no rsID available, gnomAD 0.006%). This variant has not been reported in the literature in individuals affected with LAMA2-related conditions. Advanced modeling of protein sequence and biophysical properties (such as structural, functional, and spatial information, amino acid conservation, physicochemical variation, residue mobility, and thermodynamic stability) performed at Invitae indicates that this missense variant is not expected to disrupt LAMA2 protein function. In summary, the available evidence is currently insufficient to determine the role of this variant in disease. Therefore, it has been classified as a Variant of Uncertain Significance.